The following is an entry in ClinVar:

ClinVar aggregate classification (germline): Pathogenic (1 of 4 stars; one submission).

Submission:

Labcorp Genetics (formerly Invitae), Labcorp
Classification: Pathogenic. Last evaluated: 2022-08-31. Review status: criteria provided, single submitter. Criteria: Invitae Variant Classification Sherloc (09022015). Collection method: clinical testing. Allele origin: germline.
Comment: For these reasons, this variant has been classified as Pathogenic. This variant has not been reported in the literature in individuals affected with NFKB1-related conditions. This variant is not present in population databases (gnomAD no frequency). This sequence change creates a premature translational stop signal (p.Ser760Leufs*8) in the NFKB1 gene. It is expected to result in an absent or disrupted protein product. Loss-of-function variants in NFKB1 are known to be pathogenic (PMID: 26279205, 29477724).

Literature cited by the submitters: PubMed 26279205; PubMed 29477724.

NM_003998.4(NFKB1):c.2279_2280del (p.Ser760fs)

Gene: NFKB1 (nuclear factor kappa B subunit 1; plus strand). Cytogenetic location: 4q24.
Variant type: Microsatellite.
Coding change: c.2279_2280del on transcript NM_003998.4 (MANE Select); coding-DNA positions 2279 to 2280, 2 bases deleted (CT; older notation c.2279_2280delCT).
Protein change: p.Ser760fs; shifts the reading frame from serine 760.
Molecular consequence: frameshift variant.
Genome position (GRCh38, 1-based): chr4:102,610,626-102,610,627, CT deleted; deleting any 2 consecutive bases within chr4:102,610,624-102,610,627 gives the same sequence; the c. name uses the placement nearest the transcript's 3' end. VCF-style (leftmost placement, unchanged base first): chr4-102610623-ACT-A. GRCh37 (hg19) VCF-style: chr4-103531780-ACT-A.
Other names: c.2276_2277del, p.Ser759fs (NM_001165412.2, NM_001319226.2, NM_001382627.1); c.2279_2280del, p.Ser760fs (NM_001382625.1, NM_001382626.1); c.2237_2238del, p.Ser746fs (NM_001382628.1); short protein forms S759fs, S746fs, S760fs.
Identifiers: ClinVar variation 2028263 (VCV002028263.4), dbSNP rs2476562616, ClinGen allele CA2580616132.